The following is an entry in ClinVar:

NM_001943.5(DSG2):c.399T>G (p.Asp133Glu)

Gene: DSG2 (desmoglein 2; plus strand). Cytogenetic location: 18q12.1.
Variant type: single nucleotide variant.
Coding change: c.399T>G on transcript NM_001943.5 (MANE Select); coding-DNA position 399, T replaced by G.
Protein change: p.Asp133Glu; replaces aspartic acid 133 with glutamic acid.
Molecular consequence: missense variant.
Genome position (GRCh38, 1-based): chr18:31,521,119, T>G. VCF-style: chr18-31521119-T-G. GRCh37 (hg19) VCF-style: chr18-29101082-T-G.
Other names: short protein forms D133E.
Identifiers: ClinVar variation 1017949 (VCV001017949.8), dbSNP rs2073125147, ClinGen allele CA402131874.

ClinVar aggregate classification (germline): Uncertain significance (1 of 4 stars; one submission).

Conditions:
Arrhythmogenic right ventricular dysplasia 10. Also called: Arrhythmogenic Right Ventricular Dysplasia/Cardiomyopathy10; ARRHYTHMOGENIC RIGHT VENTRICULAR DYSPLASIA, FAMILIAL, 10; Arrhythmogenic right ventricular dysplasia/cardiomyopathy, type 10. Identifiers: MedGen C1857777, MONDO:0012434, OMIM 610193.

Submission:

Labcorp Genetics (formerly Invitae), Labcorp
Classification: Uncertain significance for Arrhythmogenic right ventricular dysplasia 10. Last evaluated: 2022-07-25. Review status: criteria provided, single submitter. Criteria: Invitae Variant Classification Sherloc (09022015). Collection method: clinical testing. Allele origin: germline.
Comment: This variant has not been reported in the literature in individuals affected with DSG2-related conditions. This variant is not present in population databases (gnomAD no frequency). This sequence change replaces aspartic acid, which is acidic and polar, with glutamic acid, which is acidic and polar, at codon 133 of the DSG2 protein (p.Asp133Glu). ClinVar contains an entry for this variant (Variation ID: 1017949). In summary, the available evidence is currently insufficient to determine the role of this variant in disease. Therefore, it has been classified as a Variant of Uncertain Significance. Algorithms developed to predict the effect of missense changes on protein structure and function (SIFT, PolyPhen-2, Align-GVGD) all suggest that this variant is likely to be tolerated.